The following is an entry in ClinVar:

ClinVar aggregate classification (germline): Benign. Review status: criteria provided, multiple submitters, no conflicts (2 of 4 stars). 2 submissions from 2 submitters: Benign (2). Last evaluated 2018-06-19.

Allele frequency attached by ClinVar (database versions not stated): 1000 Genomes Project 0.10304.
gnomAD v4.1: 151,351 of 1,416,452 alleles (11%); highest among the groups gnomAD compares: South Asian, 14%; 9,285 homozygotes.

Submissions (2):

GeneDx
Classification: Benign. Last evaluated: 2018-06-19. Review status: criteria provided, single submitter. Criteria: GeneDx Variant Classification (06012015). Collection method: clinical testing. Allele origin: germline. Affected: yes.
Comment: This variant is considered likely benign or benign based on one or more of the following criteria: it is a conservative change, it occurs at a poorly conserved position in the protein, it is predicted to be benign by multiple in silico algorithms, and/or has population frequency not consistent with disease.

Breakthrough Genomics
Classification: Benign. Review status: criteria provided, single submitter. Criteria: ACMG Guidelines, 2015. Collection method: not provided. Allele origin: germline. Inheritance: Autosomal recessive inheritance. Affected: yes.

NM_001080477.4(TENM3):c.1639+91G>C

Gene: TENM3 (teneurin transmembrane protein 3; plus strand). Cytogenetic location: 4q35.1.
Variant type: single nucleotide variant.
Coding change: c.1639+91G>C on transcript NM_001080477.4 (MANE Select); 91 bases into the intron after coding-DNA position 1639, G replaced by C.
Molecular consequence: intron variant.
Genome position (GRCh38, 1-based): chr4:182,680,440, G>C. VCF-style: chr4-182680440-G-C. GRCh37 (hg19) VCF-style: chr4-183601593-G-C.
Identifiers: ClinVar variation 677226 (VCV000677226.2), dbSNP rs79243933, ClinGen allele CA11670950.